The following is an entry in ClinVar:

ClinVar aggregate classification (germline): Uncertain significance (1 of 4 stars; one submission).

Submission:

GeneDx
Classification: Uncertain significance. Last evaluated: 2022-04-30. Review status: criteria provided, single submitter. Criteria: GeneDx Variant Classification Process June 2021. Collection method: clinical testing. Allele origin: germline. Affected: yes.
Comment: Not observed at significant frequency in large population cohorts (gnomAD); In silico analysis supports that this missense variant has a deleterious effect on protein structure/function; Has not been previously published as pathogenic or benign to our knowledge

NM_003179.3(SYP):c.170G>C (p.Cys57Ser)

Gene: SYP (synaptophysin; minus strand). Cytogenetic location: Xp11.23.
Variant type: single nucleotide variant.
Coding change: c.170G>C on transcript NM_003179.3 (MANE Select); coding-DNA position 170, G replaced by C.
Protein change: p.Cys57Ser; replaces cysteine 57 with serine.
Molecular consequence: missense variant.
Genome position (GRCh38, 1-based): chrX:49,197,772, C>G on the plus strand (G>C on the coding strand, the complement: SYP is on the minus strand). VCF-style: chrX-49197772-C-G. GRCh37 (hg19) VCF-style: chrX-49054231-C-G.
Other names: short protein forms C57S.
Identifiers: ClinVar variation 1722781 (VCV001722781.2), dbSNP rs2520609198, ClinGen allele CA412954595.
Genomic context (GRCh38, chrX:49,197,772, plus strand): 5'-CACCTGAAGGGGTACTCGAACTCGACCTCGATGCTGAGGTCACTCTCGGTCTTGTTGGCA[C>G]AATCCACGCTCAGCTGGAGCTCCCCACTGTAGCTGCCGCATGTGGCAAAGGCGAAGATGG-3'
Protein context (NP_003170.1, residues 47-67): YSGELQLSVD[Cys57Ser]ANKTESDLSI